The following is an entry in ClinVar:

NM_021098.3(CACNA1H):c.3043G>A (p.Val1015Met)

Gene: CACNA1H (calcium voltage-gated channel subunit alpha1 H; plus strand). Cytogenetic location: 16p13.3.
Variant type: single nucleotide variant.
Coding change: c.3043G>A on transcript NM_021098.3 (MANE Select); coding-DNA position 3043, G replaced by A.
Protein change: p.Val1015Met; replaces valine 1015 with methionine.
Molecular consequence: missense variant.
Genome position (GRCh38, 1-based): chr16:1,207,410, G>A. VCF-style: chr16-1207410-G-A. GRCh37 (hg19) VCF-style: chr16-1257410-G-A.
Other names: c.3043G>A (NM_021098.2); c.3043G>A, p.Val1015Met (NM_001005407.2); short protein forms V1015M.
Identifiers: ClinVar variation 1479982 (VCV001479982.10), dbSNP rs376957651, ClinGen allele CA7800558.

ClinVar aggregate classification (germline): Uncertain significance. Review status: criteria provided, multiple submitters, no conflicts (2 of 4 stars). 3 submissions from 3 submitters: Uncertain significance (3). Last evaluated 2024-04-09.

Conditions:
Hyperaldosteronism, familial, type IV (HALD4). Also called: FH IV; ALDOSTERONISM, PRIMARY, AND HYPERTENSION. Identifiers: Orphanet 642671, MedGen C4310756, MONDO:0014875, OMIM 617027.
Idiopathic generalized epilepsy. Also called: Generalised epilepsy; EIG. Identifiers: MedGen C0270850, MONDO:0005579, OMIM 600669.
Inborn genetic diseases. Identifiers: MedGen C0950123, MeSH D030342.
Epilepsy, childhood absence, susceptibility to, 6. Identifiers: Orphanet 64280, MedGen C2749872, MONDO:0012763, OMIM 611942.

Allele frequency attached by ClinVar (database versions not stated): gnomAD 0.00001; TOPMed 0.00001; gnomAD exomes 0.00002 and 0.00004; ExAC 0.00003; ESP Exome Variant Server 0.00008.
gnomAD v4.1: 57 of 1,612,964 alleles (0.0035%); highest among the groups gnomAD compares: Admixed American, 0.005%; no homozygotes.

Submissions (3):

Ambry Genetics
Classification: Uncertain significance for Inborn genetic diseases. Last evaluated: 2024-04-09. Review status: criteria provided, single submitter. Criteria: Ambry Variant Classification Scheme 2023. Collection method: clinical testing. Allele origin: germline.

Fulgent Genetics
Classification: Uncertain significance for Epilepsy, childhood absence, susceptibility to, 6; Hyperaldosteronism, familial, type IV. Last evaluated: 2022-01-28. Review status: criteria provided, single submitter. Criteria: ACMG Guidelines, 2015. Collection method: clinical testing. Allele origin: unknown.

Labcorp Genetics (formerly Invitae), Labcorp
Classification: Uncertain significance for Idiopathic generalized epilepsy; Hyperaldosteronism, familial, type IV. Last evaluated: 2020-11-10. Review status: criteria provided, single submitter. Criteria: Invitae Variant Classification Sherloc (09022015). Collection method: clinical testing. Allele origin: germline.
Comment: This variant has not been reported in the literature in individuals with CACNA1H-related conditions. This sequence change replaces valine with methionine at codon 1015 of the CACNA1H protein (p.Val1015Met). The valine residue is highly conserved and there is a small physicochemical difference between valine and methionine. This variant is present in population databases (rs376957651, ExAC 0.01%). Algorithms developed to predict the effect of missense changes on protein structure and function are either unavailable or do not agree on the potential impact of this missense change (SIFT: "Deleterious"; PolyPhen-2: "Probably Damaging"; Align-GVGD: "Class C15"). In summary, the available evidence is currently insufficient to determine the role of this variant in disease. Therefore, it has been classified as a Variant of Uncertain Significance.